The following is an entry in ClinVar:

NM_020937.4(FANCM):c.5815G>T (p.Glu1939Ter)

Gene: FANCM (FA complementation group M; plus strand). Cytogenetic location: 14q21.2.
Variant type: single nucleotide variant.
Coding change: c.5815G>T on transcript NM_020937.4 (MANE Select); coding-DNA position 5815, G replaced by T.
Protein change: p.Glu1939Ter; replaces glutamic acid 1939 with a stop codon.
Molecular consequence: nonsense.
Genome position (GRCh38, 1-based): chr14:45,198,742, G>T. VCF-style: chr14-45198742-G-T. GRCh37 (hg19) VCF-style: chr14-45667945-G-T.
Other names: c.5737G>T, p.Glu1913Ter (NM_001308133.2); short protein forms E1913*, E1939*.
Identifiers: ClinVar variation 2995611 (VCV002995611.3), dbSNP rs2503280177, ClinGen allele CA389586902.

ClinVar aggregate classification (germline): Pathogenic (1 of 4 stars; one submission).

Conditions:
Fanconi anemia (FA). Also called: Fanconi's anemia. Identifiers: Orphanet 84, MedGen C0015625, MeSH D005199, MONDO:0019391.

Allele frequency attached by ClinVar (database versions not stated): gnomAD exomes below 0.00001.

Submission:

Labcorp Genetics (formerly Invitae), Labcorp
Classification: Pathogenic for Fanconi anemia. Last evaluated: 2023-02-16. Review status: criteria provided, single submitter. Criteria: Invitae Variant Classification Sherloc (09022015). Collection method: clinical testing. Allele origin: germline.
Comment: For these reasons, this variant has been classified as Pathogenic. Algorithms developed to predict the effect of sequence changes on RNA splicing suggest that this variant may disrupt the consensus splice site. This variant has not been reported in the literature in individuals affected with FANCM-related conditions. This variant is not present in population databases (gnomAD no frequency). This sequence change creates a premature translational stop signal (p.Glu1939*) in the FANCM gene. It is expected to result in an absent or disrupted protein product. Loss-of-function variants in FANCM are known to be pathogenic (PMID: 29895858, 30075111).

Literature cited by the submitters: PubMed 29895858; PubMed 30075111.